The following is an entry in ClinVar:

NM_013275.6(ANKRD11):c.2717G>T (p.Arg906Leu)

Gene: ANKRD11 (ankyrin repeat domain 11; minus strand). Cytogenetic location: 16q24.3.
Variant type: single nucleotide variant.
Coding change: c.2717G>T on transcript NM_013275.6 (MANE Select); coding-DNA position 2717, G replaced by T.
Protein change: p.Arg906Leu; replaces arginine 906 with leucine.
Molecular consequence: missense variant.
Genome position (GRCh38, 1-based): chr16:89,283,825, C>A on the plus strand (G>T on the coding strand, the complement: ANKRD11 is on the minus strand). VCF-style: chr16-89283825-C-A. GRCh37 (hg19) VCF-style: chr16-89350233-C-A.
Other names: c.2717G>T, p.Arg906Leu (NM_001256182.2, NM_001256183.2); short protein forms R906L.
Identifiers: ClinVar variation 2998431 (VCV002998431.3), dbSNP rs763544660, ClinGen allele CA8242528.

ClinVar aggregate classification (germline): Uncertain significance (1 of 4 stars; one submission).

Conditions:
KBG syndrome (KBGS). Also called: ANKRD11-Related KBG Syndrome. Identifiers: Orphanet 2332, MedGen C0220687, MONDO:0007846, OMIM 148050.

Allele frequency attached by ClinVar (database versions not stated): gnomAD 0.00001; TOPMed 0.00001.
gnomAD v4.1: 19 of 1,614,060 alleles (0.0012%); highest among the groups gnomAD compares: Admixed American, 0.0017%; no homozygotes.

Submission:

Labcorp Genetics (formerly Invitae), Labcorp
Classification: Uncertain significance for KBG syndrome. Last evaluated: 2024-02-03. Review status: criteria provided, single submitter. Criteria: Invitae Variant Classification Sherloc (09022015). Collection method: clinical testing. Allele origin: germline.
Comment: This sequence change replaces arginine, which is basic and polar, with leucine, which is neutral and non-polar, at codon 906 of the ANKRD11 protein (p.Arg906Leu). This variant is present in population databases (rs763544660, gnomAD 0.002%). This variant has not been reported in the literature in individuals affected with ANKRD11-related conditions. Advanced modeling of protein sequence and biophysical properties (such as structural, functional, and spatial information, amino acid conservation, physicochemical variation, residue mobility, and thermodynamic stability) performed at Invitae indicates that this missense variant is not expected to disrupt ANKRD11 protein function with a negative predictive value of 95%. In summary, the available evidence is currently insufficient to determine the role of this variant in disease. Therefore, it has been classified as a Variant of Uncertain Significance.